The following is an entry in ClinVar:

ClinVar aggregate classification (germline): Benign/Likely benign. Review status: criteria provided, multiple submitters, no conflicts (2 of 4 stars). 4 submissions from 4 submitters: Benign (1); Likely benign (3). Last evaluated 2025-08-01.

Conditions:
Familial adenomatous polyposis 1 (FAP1). Also called: FAMILIAL ADENOMATOUS POLYPOSIS 1, ATTENUATED; POLYPOSIS, ADENOMATOUS INTESTINAL. Identifiers: MedGen C2713442, MONDO:0021056, OMIM 175100. Disease mechanism: loss of function.
Hereditary cancer-predisposing syndrome. Also called: Hereditary Cancer Syndrome; Neoplastic Syndromes, Hereditary; Hereditary neoplastic syndrome; Tumor predisposition. Identifiers: Orphanet 140162, MedGen C0027672, MeSH D009386, MONDO:0015356.

Submissions (4):

CeGaT Center for Human Genetics Tuebingen
Classification: Likely benign. Last evaluated: 2025-08-01. Review status: criteria provided, single submitter. Criteria: CeGaT Center For Human Genetics Tuebingen Variant Classification Criteria Version 2. Collection method: clinical testing. Allele origin: germline. Affected: yes. Observed: 1 variant allele.
Comment: APC: PM2:Supporting, BP4, BP7

Myriad Genetics, Inc.
Classification: Benign for Familial adenomatous polyposis 1. Last evaluated: 2024-03-25. Review status: criteria provided, single submitter. Criteria: Myriad Autosomal Dominant, Autosomal Recessive and X-Linked Classification Criteria (2023). Collection method: clinical testing. Allele origin: unknown.
Comment: This variant is considered benign. This variant is a silent/synonymous amino acid change and it is not expected to impact splicing.

Ambry Genetics
Classification: Likely benign for Hereditary cancer-predisposing syndrome. Last evaluated: 2023-08-25. Review status: criteria provided, single submitter. Criteria: Ambry Variant Classification Scheme 2023. Collection method: clinical testing. Allele origin: germline.

Labcorp Genetics (formerly Invitae), Labcorp
Classification: Likely benign for Familial adenomatous polyposis 1. Last evaluated: 2023-06-05. Review status: criteria provided, single submitter. Criteria: Invitae Variant Classification Sherloc (09022015). Collection method: clinical testing. Allele origin: germline.

NM_000038.6(APC):c.4107C>T (p.Pro1369=)

Gene: APC (APC regulator of Wnt signaling pathway; plus strand). Cytogenetic location: 5q22.2.
Variant type: single nucleotide variant.
Coding change: c.4107C>T on transcript NM_000038.6 (MANE Select); coding-DNA position 4107, C replaced by T.
Protein change: p.Pro1369=; no amino-acid change (proline 1369 retained).
Molecular consequence: synonymous variant. On other transcripts: non-coding transcript variant (2).
Genome position (GRCh38, 1-based): chr5:112,839,701, C>T. VCF-style: chr5-112839701-C-T. GRCh37 (hg19) VCF-style: chr5-112175398-C-T.
Other names: c.4107C>T, p.Pro1369= (NM_001127510.3, NM_001354895.2, NM_001407450.1); c.4053C>T, p.Pro1351= (NM_001127511.3); c.4161C>T, p.Pro1387= (NM_001354896.2, NM_001407447.1, NM_001407448.1 and 1 more transcripts); c.4137C>T, p.Pro1379= (NM_001354897.2); c.4032C>T, p.Pro1344= (NM_001354898.2); c.4023C>T, p.Pro1341= (NM_001354899.2); c.3984C>T, p.Pro1328= (NM_001354900.2); c.3930C>T, p.Pro1310= (NM_001354901.2, NM_001407453.1); and 12 more.
Identifiers: ClinVar variation 2163415 (VCV002163415.14), dbSNP rs2149906668, ClinGen allele CA445964119.
Genomic context (GRCh38, chr5:112,839,701, plus strand): 5'-CAAAGCTGTTGAATTTTCTTCAGGAGCGAAATCTCCCTCCAAAAGTGGTGCTCAGACACC[C>T]AAAAGTCCACCTGAACACTATGTTCAGGAGACCCCACTCATGTTTAGCAGATGTACTTCT-3'
Protein context (NP_000029.2, residues 1359-1379): KSPSKSGAQT[Pro1369=]KSPPEHYVQE